The following is an entry in ClinVar:

ClinVar aggregate classification (germline): Conflicting classifications of pathogenicity. Review status: criteria provided, conflicting classifications (1 of 4 stars). 3 submissions from 3 submitters: Uncertain significance (1); Likely benign (2). Last evaluated 2024-02-25.

Conditions:
Rienhoff syndrome. Also called: LOEYS-DIETZ SYNDROME 5. Identifiers: MedGen C3810012, MONDO:0014262, OMIM 615582.
Familial thoracic aortic aneurysm and aortic dissection (TAAD). Also called: Thoracic aortic aneurysms and dissections. Identifiers: Orphanet 91387, MedGen C4707243, MONDO:0019625.

Allele frequency attached by ClinVar (database versions not stated): gnomAD exomes below 0.00001 and 0.00001; ExAC 0.00001; gnomAD 0.00001; TOPMed 0.00002.
gnomAD v4.1: 6 of 1,613,982 alleles (0.00037%); highest among the groups gnomAD compares: Admixed American, 0.005%; no homozygotes.

Submissions (3):

Labcorp Genetics (formerly Invitae), Labcorp
Classification: Likely benign for Rienhoff syndrome. Last evaluated: 2024-02-25. Review status: criteria provided, single submitter. Criteria: Invitae Variant Classification Sherloc (09022015). Collection method: clinical testing. Allele origin: germline.

Ambry Genetics
Classification: Uncertain significance for Familial thoracic aortic aneurysm and aortic dissection. Last evaluated: 2023-01-10. Review status: criteria provided, single submitter. Criteria: Ambry Variant Classification Scheme 2023. Collection method: clinical testing. Allele origin: germline.
Comment: The c.755-5T>C intronic variant results from a T to C substitution 5 nucleotides upstream from coding exon 5 in the TGFB3 gene. This alteration has been reported in a sudden unexplained death case, and variants were also reported in other cardiac-related genes (Campuzano O et al. Forensic Sci Int, 2014 Dec;245:30-7). This nucleotide position is not well conserved in available vertebrate species. In silico splice site analysis predicts that this alteration will not have any significant effect on splicing. Since supporting evidence is limited at this time, the clinical significance of this alteration remains unclear.

GeneDx
Classification: Likely benign. Last evaluated: 2020-02-13. Review status: criteria provided, single submitter. Criteria: GeneDx Variant Classification Process June 2021. Collection method: clinical testing. Allele origin: germline. Affected: yes.
Comment: See Variant Classification Assertion Criteria.

Literature cited by the submitters: PubMed 25447171 (cited by Ambry Genetics).

NM_003239.5(TGFB3):c.755-5T>C

Gene: TGFB3 (transforming growth factor beta 3; minus strand). Cytogenetic location: 14q24.3.
Variant type: single nucleotide variant.
Coding change: c.755-5T>C on transcript NM_003239.5 (MANE Select); 5 bases into the intron before coding-DNA position 755, T replaced by C.
Molecular consequence: intron variant.
Genome position (GRCh38, 1-based): chr14:75,963,492, A>G on the plus strand (T>C on the coding strand, the complement: TGFB3 is on the minus strand). VCF-style: chr14-75963492-A-G. GRCh37 (hg19) VCF-style: chr14-76429835-A-G.
Other names: c.755-5T>C (NM_001329939.2, NM_001329938.2, NM_003239.2).
Identifiers: ClinVar variation 477642 (VCV000477642.13), dbSNP rs768188445, ClinGen allele CA7280344.